The following is an entry in ClinVar:

ClinVar aggregate classification (germline): Uncertain significance. Review status: criteria provided, multiple submitters, no conflicts (2 of 4 stars). 6 submissions from 6 submitters: Uncertain significance (6). Last evaluated 2025-12-22.

Conditions:
PLCE1-related disorder. Also called: PLCE1-related condition.
Nephrotic syndrome, type 3 (NPHS3). Also called: NEPHROTIC SYNDROME, EARLY-ONSET, TYPE 3. Identifiers: Orphanet 656, MedGen C1853124, MONDO:0012546, OMIM 610725.

Allele frequency attached by ClinVar (database versions not stated): TOPMed 0.00072; 1000 Genomes Project 0.00080; gnomAD exomes 0.00097 and 0.00129; gnomAD 0.00098 and 0.00093; ExAC 0.00110; 1000 Genomes Project 30x 0.00094; ESP Exome Variant Server 0.00095.
gnomAD v4.1: 2,007 of 1,614,052 alleles (0.12%); highest among the groups gnomAD compares: Non-Finnish European, 0.16%; 1 homozygote.

Submissions (6):

PreventionGenetics, part of Exact Sciences
Classification: Uncertain significance for PLCE1-related condition. Last evaluated: 2025-12-22. Review status: criteria provided, single submitter. Criteria: ACMG Guidelines, 2015. Collection method: clinical testing. Allele origin: germline.
Comment: The PLCE1 c.1400C>T variant is predicted to result in the amino acid substitution p.Thr467Ile. This variant has been reported with other variants in PLCE1 in an individual with focal segmental glomerulosclerosis (Table 4. Laurin et al. 2014. PubMed ID: 24500309). This variant is reported in 0.17% of alleles in individuals of European (Non-Finnish) descent in gnomAD. Although we suspect that this variant may be benign, at this time, the clinical significance of this variant is uncertain due to the absence of conclusive functional and genetic evidence.

Blueprint Genetics
Classification: Uncertain significance. Last evaluated: 2024-10-14. Review status: criteria provided, single submitter. Criteria: ACMG Guidelines, 2015. Collection method: clinical testing. Allele origin: germline.

Fulgent Genetics
Classification: Uncertain significance for Nephrotic syndrome, type 3. Last evaluated: 2024-01-29. Review status: criteria provided, single submitter. Criteria: ACMG Guidelines, 2015. Collection method: clinical testing. Allele origin: germline.

Labcorp Genetics (formerly Invitae), Labcorp
Classification: Uncertain significance. Last evaluated: 2022-05-08. Review status: criteria provided, single submitter. Criteria: Invitae Variant Classification Sherloc (09022015). Collection method: clinical testing. Allele origin: germline.
Comment: This sequence change replaces threonine, which is neutral and polar, with isoleucine, which is neutral and non-polar, at codon 467 of the PLCE1 protein (p.Thr467Ile). This variant is present in population databases (rs192219615, gnomAD 0.2%), and has an allele count higher than expected for a pathogenic variant. This missense change has been observed in individual(s) with focal segmental glomerulosclerosis (PMID: 24500309). ClinVar contains an entry for this variant (Variation ID: 448041). Algorithms developed to predict the effect of missense changes on protein structure and function are either unavailable or do not agree on the potential impact of this missense change (SIFT: "Deleterious"; PolyPhen-2: "Possibly Damaging"; Align-GVGD: "Class C0"). In summary, the available evidence is currently insufficient to determine the role of this variant in disease. Therefore, it has been classified as a Variant of Uncertain Significance.

Illumina Laboratory Services, Illumina
Classification: Uncertain significance for Nephrotic syndrome, type 3. Last evaluated: 2017-04-27. Review status: criteria provided, single submitter. Criteria: ICSL Variant Classification Criteria 13 December 2019. Collection method: clinical testing. Allele origin: germline.
Comment: This variant was observed as part of a predisposition screen in an ostensibly healthy population. A literature search was performed for the gene, cDNA change, and amino acid change (where applicable). Publications were found based on this search. However, the evidence from the literature, in combination with allele frequency data from public databases where available, was not sufficient to rule this variant in or out of causing disease. Therefore, this variant is classified as a variant of unknown significance.

Athena Diagnostics
Classification: Uncertain significance. Last evaluated: 2016-11-14. Review status: criteria provided, single submitter. Criteria: Athena Diagnostics Criteria. Collection method: clinical testing. Allele origin: germline.

Literature cited by the submitters: PubMed 24500309 (cited by 3 submitters).

NM_016341.4(PLCE1):c.1400C>T (p.Thr467Ile)

Gene: PLCE1 (phospholipase C epsilon 1; plus strand). Cytogenetic location: 10q23.33.
Variant type: single nucleotide variant.
Coding change: c.1400C>T on transcript NM_016341.4 (MANE Select); coding-DNA position 1400, C replaced by T.
Protein change: p.Thr467Ile; replaces threonine 467 with isoleucine.
Molecular consequence: missense variant.
Genome position (GRCh38, 1-based): chr10:94,132,367, C>T. VCF-style: chr10-94132367-C-T. GRCh37 (hg19) VCF-style: chr10-95892124-C-T.
Other names: c.476C>T, p.Thr159Ile (NM_001165979.2); c.1400C>T, p.Thr467Ile (NM_001288989.2); short protein forms T467I, T159I.
Identifiers: ClinVar variation 448041 (VCV000448041.9), dbSNP rs192219615, ClinGen allele CA5612364.
Genomic context (GRCh38, chr10:94,132,367, plus strand): 5'-GAGACACTGTATGTGAGTATCGCGCCACCCTCCAAAGGACTTCAATATCGCAGTACATCA[C>T]CGGTTCTCTCCTAGAAGCAACCACGTCTTTGGGAGCAAGAAGTGGCCTTCTCAGTACTTT-3'
Protein context (NP_057425.3, residues 457-477): LQRTSISQYI[Thr467Ile]GSLLEATTSL